The following is an entry in ClinVar:

ClinVar aggregate classification (germline): Pathogenic (1 of 4 stars; one submission).

Conditions:
Hereditary cancer-predisposing syndrome. Also called: Neoplastic Syndromes, Hereditary; Tumor predisposition; Hereditary neoplastic syndrome; Hereditary Cancer Syndrome. Identifiers: Orphanet 140162, MedGen C0027672, MeSH D009386, MONDO:0015356.

Submission:

Ambry Genetics
Classification: Pathogenic for Hereditary cancer-predisposing syndrome. Last evaluated: 2019-11-26. Review status: criteria provided, single submitter. Criteria: Ambry Variant Classification Scheme 2023. Collection method: clinical testing. Allele origin: germline.
Comment: The c.512dupG pathogenic mutation, located in coding exon 5 of the BRIP1 gene, results from a duplication of G at nucleotide position 512, causing a translational frameshift with a predicted alternate stop codon (p.R173Tfs*16). This alteration is expected to result in loss of function by premature protein truncation or nonsense-mediated mRNA decay. As such, this alteration is interpreted as a disease-causing mutation.

NM_032043.3(BRIP1):c.512dup (p.Arg173fs)

Gene: BRIP1 (BRCA1 interacting DNA helicase 1; minus strand). Cytogenetic location: 17q23.2.
Variant type: Duplication.
Coding change: c.512dup on transcript NM_032043.3 (MANE Select); coding-DNA position 512, one base duplicated (G; older notation c.512dupG).
Protein change: p.Arg173fs; shifts the reading frame from arginine 173.
Molecular consequence: frameshift variant.
Genome position (GRCh38, 1-based): chr17:61,847,216, C duplicated on the plus strand (G on the coding strand, the reverse complement: BRIP1 is on the minus strand). VCF-style (leftmost placement, unchanged base first): chr17-61847215-T-TC. GRCh37 (hg19) VCF-style: chr17-59924576-T-TC.
Other names: short protein forms R173fs.
Identifiers: ClinVar variation 825467 (VCV000825467.4), dbSNP rs1603361705, ClinGen allele CA915950668.